The following is an entry in ClinVar:

NM_006206.6(PDGFRA):c.1362G>C (p.Lys454Asn)

Gene: PDGFRA (platelet derived growth factor receptor alpha; plus strand). Cytogenetic location: 4q12.
Variant type: single nucleotide variant.
Coding change: c.1362G>C on transcript NM_006206.6 (MANE Select); coding-DNA position 1362, G replaced by C.
Protein change: p.Lys454Asn; replaces lysine 454 with asparagine.
Molecular consequence: missense variant.
Genome position (GRCh38, 1-based): chr4:54,272,518, G>C. VCF-style: chr4-54272518-G-C. GRCh37 (hg19) VCF-style: chr4-55138685-G-C.
Other names: c.1362G>C, p.Lys454Asn (NM_001347827.2, NM_001347829.2); c.1437G>C, p.Lys479Asn (NM_001347828.2); c.1401G>C, p.Lys467Asn (NM_001347830.2); short protein forms K467N, K454N, K479N.
Identifiers: ClinVar variation 3674281 (VCV003674281.2).
Genomic context (GRCh38, chr4:54,272,518, plus strand): 5'-GTGCACAGCTGAAGGCACGCCGCTTCCTGATATTGAGTGGATGATATGCAAAGATATTAA[G>C]AAGTATGGAAAACAGATGTGTCTTCTTCTTTCGTGGTCAGAATATTTCTCCCTTGACACA-3'
Protein context (NP_006197.1, residues 444-464): DIEWMICKDI[Lys454Asn]KCNNETSWTI

ClinVar aggregate classification (germline): Uncertain significance (1 of 4 stars; one submission).

Conditions:
Gastrointestinal stromal tumor. Also called: Gastrointestinal stromal tumor, somatic; Gastrointestinal stroma tumor. Identifiers: Orphanet 44890, MedGen C0238198, MeSH D046152, MONDO:0011719, OMIM 606764, HP:0100723.

Submission:

Labcorp Genetics (formerly Invitae), Labcorp
Classification: Uncertain significance for Gastrointestinal stromal tumor. Last evaluated: 2024-12-12. Review status: criteria provided, single submitter. Criteria: Invitae Variant Classification Sherloc (09022015). Collection method: clinical testing. Allele origin: germline.
Comment: This sequence change replaces lysine, which is basic and polar, with asparagine, which is neutral and polar, at codon 454 of the PDGFRA protein (p.Lys454Asn). This variant is not present in population databases (gnomAD no frequency). This variant has not been reported in the literature in individuals affected with PDGFRA-related conditions. An algorithm developed to predict the effect of missense changes on protein structure and function (PolyPhen-2) suggests that this variant is likely to be tolerated. In summary, the available evidence is currently insufficient to determine the role of this variant in disease. Therefore, it has been classified as a Variant of Uncertain Significance.